The following continues an entry in ClinVar:

NM_007294.4(BRCA1):c.4812A>G (p.Gln1604=)

Gene: BRCA1. ClinVar aggregate classification (germline): Benign. Benign (1).

Submissions 21 to 30 of 30:

Color Diagnostics, LLC DBA Color Health
Classification: Benign for Hereditary cancer-predisposing syndrome. Review status: criteria provided, single submitter. Criteria: ACMG Guidelines, 2015. Collection method: clinical testing. Allele origin: germline. Not counted in ClinVar's aggregate classification.

BRCAlab, Lund University
Classification: Benign for Breast-ovarian cancer, familial, susceptibility to, 1. Last evaluated: 2020-03-02. Review status: no assertion criteria provided. Collection method: clinical testing. Allele origin: germline. Affected: yes. Not counted in ClinVar's aggregate classification.

True Health Diagnostics
Classification: Likely benign for Hereditary cancer-predisposing syndrome. Last evaluated: 2018-04-25. Review status: no assertion criteria provided. Collection method: clinical testing. Allele origin: germline. Not counted in ClinVar's aggregate classification.

Counsyl
Classification: Likely benign for Breast-ovarian cancer, familial 1. Last evaluated: 2014-01-02. Review status: no assertion criteria provided. Collection method: literature only. Allele origin: unknown. Inheritance: Autosomal dominant inheritance. Not counted in ClinVar's aggregate classification.

Breast Cancer Information Core (BIC) (BRCA1)
Classification: Uncertain significance for Breast-ovarian cancer, familial 1. Last evaluated: 2011-07-08. Review status: no assertion criteria provided. Collection method: clinical testing. Allele origin: germline. Affected: yes. Observed: 4 variant alleles. Not counted in ClinVar's aggregate classification.

Clinical Genetics Laboratory, Department of Pathology, Netherlands Cancer Institute
Classification: Benign. Review status: no assertion criteria provided. Collection method: clinical testing. Allele origin: germline. Affected: yes. Study: VKGL Data-share Consensus. Not counted in ClinVar's aggregate classification.

Department of Pathology and Laboratory Medicine, Sinai Health System
Classification: Benign. Review status: no assertion criteria provided. Collection method: clinical testing. Allele origin: unknown. Affected: yes. Study: The Canadian Open Genetics Repository (COGR). Not counted in ClinVar's aggregate classification.
Comment: The BRCA1 p.Gln1604Gln variant was identified in 4 of 2576 proband chromosomes (frequency: 0.001) from Danish, Korean, and American individuals or families with breast and ovarian cancers, and was identified in 5 of 7138 (freq. 0.001) control chromosomes from healthy individuals (Bergthorsson 2001, Kim 2006, McKean-Cowdin 2005). The variant was identified in dbSNP (ID: rs28897693) as â€šÃ„ÃºOtherâ€šÃ„Ã¹, Fanconi Anemia Mutation Database-LOVD (8x as unknown or unclassified), the ClinVar and Clinvitae databases (conflicting interpretations, classification benign by GeneDx and Invitae, likely benign by Counsyl, Ambry Genetics, and CHEO, and uncertain significance by BIC), GeneInsight COGR database (4x, classified as benign and likely benign by clinical laboratories), the BIC database (4x with unknown clinical importance, classification pending), and UMD (89x with a â€šÃ„Ãºlikely neutralâ€šÃ„Ã¹ classification). In UMD the variant was identified with co-occurring pathogenic BRCA1 variants (c.4065_4068delTCAA, p.Asn1355LysfsX10 and c.68_69delAG, p.Glu23ValfsX17), and BRCA2 variant (c.3847_3848delGT, p.Val1283LysfsX2), increasing the likelihood that the p.Gln1604Gln variant does not have clinical significance. This variant was identified in the 1000 Genomes Project in 7 of 5000 chromosomes (frequency: 0.0014); HAPMAP-EUR in 2 of 1006 chromosomes (frequency: 0.002), and HAPMAP-SAS in 5 of 978 chromosomes (frequency: 0.005); the NHLBI GO Exome Sequencing Project in 12 of 8600 European American alleles and in 6 of 4406 African American alleles; the genome Aggregation Database (February 27, 2017) in 294 (5 homozygous) of 282582 chromosomes (freq. 0.001); and the Exome Aggregation Consortium database (August 8th 2016) in 156 (2 homozygous) of 121402 chromosomes (freq. 0.001) in the following populations: Other in 5 of 908 chromosomes (freq. 0.006), South Asian in 71 of 16512 chromosomes (freq. 0.004), European (Non-Finnish) in 67 of 66738 chromosomes (freq. 0.001), African in 7 of 10406 chromosomes (freq. 0.0006), and East Asian in 4 of 8654 chromosomes (freq. 0.0005), Latino in 2 of 11570 chromosomes (freq. 0.0002) but was not seen in Finnish population; increasing the likelihood this could be a low frequency benign variant. The p.Gln1604Gln variant is not expected to have clinical significance because it does not result in a change of amino acid and is not located in a known consensus splice site. In addition, only 1 of 5 in silico or computational prediction software programs (SpliceSiteFinder, MaxEntScan, NNSPLICE, GeneSplicer, HumanSpliceFinder) predict a greater than 10% difference in splicing; this is not very predictive of pathogenicity. In summary, based on the above information, this variant meets our laboratory's criteria to be classified as benign.

Diagnostic Laboratory, Department of Genetics, University Medical Center Groningen
Classification: Benign for Breast-ovarian cancer, familial, susceptibility to, 1. Review status: no assertion criteria provided. Collection method: clinical testing. Allele origin: germline. Affected: yes. Study: VKGL Data-share Consensus. Not counted in ClinVar's aggregate classification.

Joint Genome Diagnostic Labs from Nijmegen and Maastricht, Radboudumc and MUMC+
Classification: Benign. Review status: no assertion criteria provided. Collection method: clinical testing. Allele origin: germline. Affected: yes. Study: VKGL Data-share Consensus. Not counted in ClinVar's aggregate classification.

Laboratory of Diagnostic Genome Analysis, Leiden University Medical Center (LUMC)
Classification: Likely benign. Review status: no assertion criteria provided. Collection method: clinical testing. Allele origin: germline. Affected: yes. Study: VKGL Data-share Consensus. Not counted in ClinVar's aggregate classification.

Literature cited by the submitters: DOI 10.3389/fgene.2022.834265 (cited by National Health Laboratory Service, Universitas Academic Hospital and University of the Free State); PubMed 20104584 (cited by Genetics and Molecular Pathology, SA Pathology); PubMed 17100994 (cited by Illumina Laboratory Services, Illumina); PubMed 16949048 (cited by Illumina Laboratory Services, Illumina and Counsyl); PubMed 24916970 (cited by Illumina Laboratory Services, Illumina); PubMed 15726418 (cited by Counsyl); PubMed 11389159 (cited by Counsyl); PubMed 16267036 (cited by Counsyl); PubMed 22505045 (cited by Counsyl).